The following is an entry in ClinVar:

NM_006892.4(DNMT3B):c.529A>G (p.Thr177Ala)

Gene: DNMT3B (DNA methyltransferase 3 beta; plus strand). Cytogenetic location: 20q11.21.
Variant type: single nucleotide variant.
Coding change: c.529A>G on transcript NM_006892.4 (MANE Select); coding-DNA position 529, A replaced by G.
Protein change: p.Thr177Ala; replaces threonine 177 with alanine.
Molecular consequence: missense variant.
Genome position (GRCh38, 1-based): chr20:32,787,326, A>G. VCF-style: chr20-32787326-A-G. GRCh37 (hg19) VCF-style: chr20-31375132-A-G.
Other names: c.403A>G, p.Thr135Ala (NM_001207055.2); c.301A>G, p.Thr101Ala (NM_001207056.2); c.529A>G, p.Thr177Ala (NM_175848.2, NM_175849.2); c.565A>G, p.Thr189Ala (NM_175850.3); short protein forms T135A, T101A, T177A, T189A.
Identifiers: ClinVar variation 863381 (VCV000863381.9), dbSNP rs1280453183, ClinGen allele CA408586611.

ClinVar aggregate classification (germline): Uncertain significance (1 of 4 stars; one submission).

Conditions:
Centromeric instability of chromosomes 1,9 and 16 and immunodeficiency (ICF1). Also called: IMMUNE DEFICIENCY, VARIABLE, WITH CENTROMERIC INSTABILITY OF CHROMOSOMES 1, 9, AND 16; IMMUNODEFICIENCY SYNDROME, VARIABLE; Immunodeficiency-centromeric instability-facial anomalies; CENTROMERIC INSTABILITY, IMMUNODEFICIENCY SYNDROME. Identifiers: Orphanet 2268, MedGen C0398788, MONDO:0000133.

Allele frequency attached by ClinVar (database versions not stated): gnomAD exomes below 0.00001.
gnomAD v4.1: 2 of 1,614,218 alleles (0.00012%); highest among the groups gnomAD compares: South Asian, 0.0022%; no homozygotes.

Submission:

Labcorp Genetics (formerly Invitae), Labcorp
Classification: Uncertain significance for Centromeric instability of chromosomes 1,9 and 16 and immunodeficiency. Last evaluated: 2019-03-22. Review status: criteria provided, single submitter. Criteria: Invitae Variant Classification Sherloc (09022015). Collection method: clinical testing. Allele origin: germline.
Comment: In summary, the available evidence is currently insufficient to determine the role of this variant in disease. Therefore, it has been classified as a Variant of Uncertain Significance. Algorithms developed to predict the effect of missense changes on protein structure and function (SIFT, PolyPhen-2, Align-GVGD) all suggest that this variant is likely to be tolerated, but these predictions have not been confirmed by published functional studies and their clinical significance is uncertain. This variant has not been reported in the literature in individuals with DNMT3B-related conditions. This variant is not present in population databases (ExAC no frequency). This sequence change replaces threonine with alanine at codon 177 of the DNMT3B protein (p.Thr177Ala). The threonine residue is weakly conserved and there is a small physicochemical difference between threonine and alanine.